The following is an entry in ClinVar:

NM_016247.4(IMPG2):c.3359T>C (p.Ile1120Thr)

Gene: IMPG2 (interphotoreceptor matrix proteoglycan 2; minus strand). Cytogenetic location: 3q12.3.
Variant type: single nucleotide variant.
Coding change: c.3359T>C on transcript NM_016247.4 (MANE Select); coding-DNA position 3359, T replaced by C.
Protein change: p.Ile1120Thr; replaces isoleucine 1120 with threonine.
Molecular consequence: missense variant.
Genome position (GRCh38, 1-based): chr3:101,231,020, A>G on the plus strand (T>C on the coding strand, the complement: IMPG2 is on the minus strand). VCF-style: chr3-101231020-A-G. GRCh37 (hg19) VCF-style: chr3-100949864-A-G.
Other names: short protein forms I1120T.
Identifiers: ClinVar variation 1439410 (VCV001439410.6), dbSNP rs1319265273, ClinGen allele CA353848469.

ClinVar aggregate classification (germline): Uncertain significance (1 of 4 stars; one submission).

Allele frequency attached by ClinVar (database versions not stated): gnomAD exomes below 0.00001.
gnomAD v4.1: 2 of 1,614,124 alleles (0.00012%); highest among the groups gnomAD compares: Non-Finnish European, 0.00017%; no homozygotes.

Submission:

Labcorp Genetics (formerly Invitae), Labcorp
Classification: Uncertain significance. Last evaluated: 2023-10-03. Review status: criteria provided, single submitter. Criteria: Invitae Variant Classification Sherloc (09022015). Collection method: clinical testing. Allele origin: germline.
Comment: This sequence change replaces isoleucine, which is neutral and non-polar, with threonine, which is neutral and polar, at codon 1120 of the IMPG2 protein (p.Ile1120Thr). This variant is present in population databases (no rsID available, gnomAD no frequency). This variant has not been reported in the literature in individuals affected with IMPG2-related conditions. ClinVar contains an entry for this variant (Variation ID: 1439410). Advanced modeling of protein sequence and biophysical properties (such as structural, functional, and spatial information, amino acid conservation, physicochemical variation, residue mobility, and thermodynamic stability) performed at Invitae indicates that this missense variant is not expected to disrupt IMPG2 protein function. In summary, the available evidence is currently insufficient to determine the role of this variant in disease. Therefore, it has been classified as a Variant of Uncertain Significance.